The following is an entry in ClinVar:

ClinVar aggregate classification (germline): Likely benign. Review status: criteria provided, multiple submitters, no conflicts (2 of 4 stars). 3 submissions from 3 submitters: Likely benign (3). Last evaluated 2024-08-21.

Allele frequency attached by ClinVar (database versions not stated): 1000 Genomes Project 30x 0.00031; 1000 Genomes Project 0.00040.
gnomAD v4.1: 277 of 1,609,314 alleles (0.017%); highest among the groups gnomAD compares: South Asian, 0.22%; 2 homozygotes.

Submissions (3):

Blueprint Genetics
Classification: Likely benign. Last evaluated: 2024-08-21. Review status: criteria provided, single submitter. Criteria: ACMG Guidelines, 2015. Collection method: clinical testing. Allele origin: germline.

Labcorp Genetics (formerly Invitae), Labcorp
Classification: Likely benign. Last evaluated: 2023-09-08. Review status: criteria provided, single submitter. Criteria: Invitae Variant Classification Sherloc (09022015). Collection method: clinical testing. Allele origin: germline.

CeGaT Center for Human Genetics Tuebingen
Classification: Likely benign. Last evaluated: 2023-01-01. Review status: criteria provided, single submitter. Criteria: CeGaT Center For Human Genetics Tuebingen Variant Classification Criteria Version 2. Collection method: clinical testing. Allele origin: germline. Affected: yes. Observed: 1 variant allele.
Comment: CASZ1: BP4

NM_001079843.3(CASZ1):c.2269G>T (p.Ala757Ser)

Gene: CASZ1 (castor zinc finger 1; minus strand). Cytogenetic location: 1p36.22.
Variant type: single nucleotide variant.
Coding change: c.2269G>T on transcript NM_001079843.3 (MANE Select); coding-DNA position 2269, G replaced by T.
Protein change: p.Ala757Ser; replaces alanine 757 with serine.
Molecular consequence: missense variant.
Genome position (GRCh38, 1-based): chr1:10,653,788, C>A on the plus strand (G>T on the coding strand, the complement: CASZ1 is on the minus strand). VCF-style: chr1-10653788-C-A. GRCh37 (hg19) VCF-style: chr1-10713845-C-A.
Other names: c.2269G>T, p.Ala757Ser (NM_017766.5); short protein forms A757S.
Identifiers: ClinVar variation 2638207 (VCV002638207.28), dbSNP rs149552670, ClinGen allele CA584903.